The following is an entry in ClinVar:

ClinVar aggregate classification (germline): Uncertain significance (1 of 4 stars; one submission).

Conditions:
Hereditary cancer-predisposing syndrome. Also called: Neoplastic Syndromes, Hereditary; Tumor predisposition; Hereditary neoplastic syndrome; Hereditary Cancer Syndrome. Identifiers: Orphanet 140162, MedGen C0027672, MeSH D009386, MONDO:0015356.

Submission:

Ambry Genetics
Classification: Uncertain significance for Hereditary cancer-predisposing syndrome. Last evaluated: 2024-02-13. Review status: criteria provided, single submitter. Criteria: Ambry Variant Classification Scheme 2023. Collection method: clinical testing. Allele origin: germline.
Comment: The p.K1192Q variant (also known as c.3574A>C), located in coding exon 23 of the ATM gene, results from an A to C substitution at nucleotide position 3574. The lysine at codon 1192 is replaced by glutamine, an amino acid with similar properties. This amino acid position is highly conserved in available vertebrate species. In addition, the in silico prediction for this alteration is inconclusive. Based on the available evidence, the clinical significance of this alteration remains unclear.

NM_000051.4(ATM):c.3574A>C (p.Lys1192Gln)

Gene: ATM (ATM serine/threonine kinase; plus strand). Cytogenetic location: 11q22.3.
Variant type: single nucleotide variant.
Coding change: c.3574A>C on transcript NM_000051.4 (MANE Select); coding-DNA position 3574, A replaced by C.
Protein change: p.Lys1192Gln; replaces lysine 1192 with glutamine.
Molecular consequence: missense variant.
Genome position (GRCh38, 1-based): chr11:108,281,166, A>C. VCF-style: chr11-108281166-A-C. GRCh37 (hg19) VCF-style: chr11-108151893-A-C.
Other names: c.3574A>C, p.Lys1192Gln (NM_001351834.2); short protein forms K1192Q.
Identifiers: ClinVar variation 3233079 (VCV003233079.1), dbSNP rs2546871681, ClinGen allele CA382520771.